The following is an entry in ClinVar:

NM_001365951.3(KIF1B):c.2115+6980A>G

Gene: KIF1B (kinesin family member 1B; plus strand). Cytogenetic location: 1p36.22.
Variant type: single nucleotide variant.
Coding change: c.2115+6980A>G on transcript NM_001365951.3 (MANE Select); 6980 bases into the intron after coding-DNA position 2115, A replaced by G.
Molecular consequence: intron variant. On other transcripts: missense variant (2).
Genome position (GRCh38, 1-based): chr1:10,304,226, A>G. VCF-style: chr1-10304226-A-G. GRCh37 (hg19) VCF-style: chr1-10364284-A-G.
Other names: c.3041A>G, p.Lys1014Arg (NM_001365953.1, NM_183416.4); c.1977+6980A>G (NM_015074.3); c.2115+6980A>G (NM_001365952.1); short protein forms K1014R.
Identifiers: ClinVar variation 2577887 (VCV002577887.1), dbSNP rs2521464197, ClinGen allele CA338326880.

ClinVar aggregate classification (germline): Uncertain significance (1 of 4 stars; one submission).

Conditions:
Neuroblastoma, susceptibility to, 1. Identifiers: MedGen C2749485, MONDO:0009741, OMIM 256700.

Submission:

St. Jude Molecular Pathology, St. Jude Children's Research Hospital
Classification: Uncertain significance for Neuroblastoma, susceptibility to, 1. Last evaluated: 2023-08-29. Review status: criteria provided, single submitter. Criteria: St. Jude Assertion Criteria 2020. Collection method: clinical testing. Allele origin: germline.
Comment: The KIF1B c.3041A>G (p.Lys1014Arg) missense change is absent in gnomAD v2.1.1. The in silico tool REVEL predicts a benign effect on protein function, but to our knowledge this prediction has not been confirmed by functional studies. To our knowledge, this variant has not been reported in individuals with pheochromocytoma or neuroblastoma. In summary, the evidence currently available is insufficient to determine the clinical significance of this variant. It has therefore been classified as of uncertain significance.